The following is an entry in ClinVar:

NM_001918.5(DBT):c.111_114del (p.Cys38fs)

Gene: DBT (dihydrolipoamide branched chain transacylase E2; minus strand). Cytogenetic location: 1p21.2.
Variant type: Microsatellite.
Coding change: c.111_114del on transcript NM_001918.5 (MANE Select); coding-DNA positions 111 to 114, 4 bases deleted (GTGT; older notation c.111_114delGTGT).
Protein change: p.Cys38fs; shifts the reading frame from cysteine 38.
Molecular consequence: frameshift variant. On other transcripts: 5 prime UTR variant (2), non-coding transcript variant (4).
Genome position (GRCh38, 1-based): chr1:100,240,822-100,240,825, ACAC deleted on the plus strand (GTGT on the coding strand, the reverse complement: DBT is on the minus strand); deleting any 4 consecutive bases within chr1:100,240,822-100,240,828 gives the same sequence; the c. name uses the placement nearest the transcript's 3' end. VCF-style (leftmost placement, unchanged base first): chr1-100240821-AACAC-A. GRCh37 (hg19) VCF-style: chr1-100706377-AACAC-A.
Other names: c.-435GT[1] (NM_001399969.1, NM_001399972.1); short protein forms C38fs.
Identifiers: ClinVar variation 1725942 (VCV001725942.2), dbSNP rs2100844690, ClinGen allele CA2580611470.

ClinVar aggregate classification (germline): Likely pathogenic (1 of 4 stars; one submission).

Conditions:
Maple syrup urine disease (MSUD). Identifiers: Orphanet 511, MedGen C0024776, MeSH D008375, MONDO:0009563. Disease mechanism: loss of function.

Submission:

Myriad Genetics, Inc.
Classification: Likely pathogenic for Maple syrup urine disease type 1A. Last evaluated: 2022-04-23. Review status: criteria provided, single submitter. Criteria: Myriad Women's Health Autosomal Recessive and X-Linked Classification Criteria (2021). Collection method: clinical testing. Allele origin: unknown.
Comment: NM_001918.3(DBT):c.111_114delGTGT(C38Sfs*16) is expected to be pathogenic in the context of maple syrup urine disease type II. This variant is predicted to lead to an abnormal or absent protein product due to the creation of a premature termination codon in DBT, a gene where loss-of-function variants are known to be pathogenic. Please note: this variant was assessed in the context of healthy population screening.